The following is an entry in ClinVar:

ClinVar aggregate classification (germline): Conflicting classifications of pathogenicity. Review status: criteria provided, conflicting classifications (1 of 4 stars). 3 submissions from 3 submitters: Uncertain significance (1); Benign (1); Likely benign (1). Last evaluated 2025-07-23.

Conditions:
Hereditary nonpolyposis colorectal neoplasms. Identifiers: MedGen C0009405, MeSH D003123.
Hereditary cancer-predisposing syndrome. Also called: Hereditary Cancer Syndrome; Hereditary neoplastic syndrome; Neoplastic Syndromes, Hereditary; Tumor predisposition. Identifiers: Orphanet 140162, MedGen C0027672, MeSH D009386, MONDO:0015356.

Allele frequency attached by ClinVar (database versions not stated): gnomAD 0.00001; gnomAD exomes 0.00001; ExAC 0.00002; 1000 Genomes Project 30x 0.00016.
gnomAD v4.1: 3 of 1,609,686 alleles (0.00019%); highest among the groups gnomAD compares: Admixed American, 0.0017%; no homozygotes.

Submissions (3):

Labcorp Genetics (formerly Invitae), Labcorp
Classification: Benign for Hereditary nonpolyposis colorectal neoplasms. Last evaluated: 2025-07-23. Review status: criteria provided, single submitter. Criteria: Invitae Variant Classification Sherloc (09022015). Collection method: clinical testing. Allele origin: germline.

Ambry Genetics
Classification: Likely benign for Hereditary cancer-predisposing syndrome. Last evaluated: 2023-02-07. Review status: criteria provided, single submitter. Criteria: Ambry Variant Classification Scheme 2023. Collection method: clinical testing. Allele origin: germline.

Sema4
Classification: Uncertain significance for Hereditary cancer-predisposing syndrome. Last evaluated: 2022-01-04. Review status: criteria provided, single submitter. Criteria: Sema4 Curation Guidelines. Collection method: curation. Allele origin: germline.
Comment: The MSH6 c.110C>T (p.A37V) variant has not been reported in the literature to our knowledge. It was observed in 1/13428 chromosomes of the African/African American subpopulation in the large and broad cohorts of the Genome Aggregation Database (PMID: 32461654). The variant has been reported in ClinVar (Variation ID: 455114). Functional studies have not been performed, and in silico predictions of the variant's effect on protein function are inconclusive. The evidence is insufficient to meet ACMG/AMP criteria for classifying the variant as benign or pathogenic. Thus, the clinical significance of this variant is currently uncertain.

NM_000179.3(MSH6):c.110C>T (p.Ala37Val)

Gene: MSH6 (mutS homolog 6; plus strand). Cytogenetic location: 2p16.3.
Variant type: single nucleotide variant.
Coding change: c.110C>T on transcript NM_000179.3 (MANE Select); coding-DNA position 110, C replaced by T.
Protein change: p.Ala37Val; replaces alanine 37 with valine.
Molecular consequence: missense variant. On other transcripts: 5 prime UTR variant (1).
Genome position (GRCh38, 1-based): chr2:47,783,343, C>T. VCF-style: chr2-47783343-C-T. GRCh37 (hg19) VCF-style: chr2-48010482-C-T.
Other names: c.110C>T, p.Ala37Val (NM_001281492.2); c.-627C>T (NM_001281493.2); short protein forms A37V.
Identifiers: ClinVar variation 455114 (VCV000455114.12), dbSNP rs763104308, ClinGen allele CA067167.